The following is an entry in ClinVar:

NM_002225.5(IVD):c.334A>T (p.Met112Leu)

Gene: IVD (isovaleryl-CoA dehydrogenase; plus strand). Cytogenetic location: 15q15.1.
Variant type: single nucleotide variant.
Coding change: c.334A>T on transcript NM_002225.5 (MANE Select); coding-DNA position 334, A replaced by T.
Protein change: p.Met112Leu; replaces methionine 112 with leucine.
Molecular consequence: missense variant. On other transcripts: non-coding transcript variant (1).
Genome position (GRCh38, 1-based): chr15:40,410,675, A>T. VCF-style: chr15-40410675-A-T. GRCh37 (hg19) VCF-style: chr15-40702874-A-T.
Other names: c.334A>T, p.Met112Leu (NM_001354598.3, NM_001354601.3); c.421A>T, p.Met141Leu (NM_001354599.3, NM_001354600.3); c.244A>T, p.Met82Leu (NM_001159508.3); c.286A>T, p.Met96Leu (NM_001354597.3); short protein forms M112L, M141L, M82L, M96L.
Identifiers: ClinVar variation 989792 (VCV000989792.3), dbSNP rs772021923, ClinGen allele CA7480601.
Genomic context (GRCh38, chr15:40,410,675, plus strand): 5'-ACACCACTCACAGTTCAGTATGGCGGCTCCGGCCTGGGCTACCTGGAGCATGTGCTGGTG[A>T]TGGAGGAGATATCCCGAGCTTCCGGAGCAGTGGGGCTCAGTTACGGTGCCCACTCCAACC-3'
Protein context (NP_002216.3, residues 102-122): GLGYLEHVLV[Met112Leu]EEISRASGAV

ClinVar aggregate classification (germline): Uncertain significance. Review status: criteria provided, multiple submitters, no conflicts (2 of 4 stars). 3 submissions from 3 submitters: Uncertain significance (2). 1 of the submissions does not count toward it. Last evaluated 2025-11-17.

Conditions:
Isovaleryl-CoA dehydrogenase deficiency (IVA). Also called: IVD DEFICIENCY; ISOVALERIC ACID CoA DEHYDROGENASE DEFICIENCY; Classic Isovaleric Acidemia; Isovaleric acidemia. Identifiers: Orphanet 33, MedGen C0268575, MONDO:0009475, OMIM 243500.

Allele frequency attached by ClinVar (database versions not stated): ExAC 0.00002; gnomAD 0.00003; TOPMed 0.00003.

Submissions (3):

Myriad Genetics, Inc.
Classification: Uncertain significance for Isovaleryl-CoA dehydrogenase deficiency. Last evaluated: 2025-11-17. Review status: criteria provided, single submitter. Criteria: Myriad Autosomal Dominant, Autosomal Recessive and X-Linked Classification Criteria (2023). Collection method: clinical testing. Allele origin: unknown.
Comment: NM_002225.3(IVD):c.343A>T(M115L) is a missense variant classified as a variant of uncertain significance in the context of isovaleric acidemia. M115L has been observed in cases with relevant disease (PMID: 39318119). Relevant functional assessments of this variant are not available in the literature. M115L has been observed in referenced population frequency databases. In summary, there is insufficient evidence to classify NM_002225.3(IVD):c.343A>T(M115L) as pathogenic or benign. Please note: this variant was assessed in the context of healthy population screening.

Fulgent Genetics
Classification: Uncertain significance for Isovaleryl-CoA dehydrogenase deficiency. Last evaluated: 2021-09-29. Review status: criteria provided, single submitter. Criteria: ACMG Guidelines, 2015. Collection method: clinical testing. Allele origin: unknown.

Natera, Inc.
Classification: Uncertain significance for Isovaleryl-coa dehydrogenase deficiency. Last evaluated: 2020-04-16. Review status: no assertion criteria provided. Collection method: clinical testing. Allele origin: germline. Not counted in ClinVar's aggregate classification.

Literature cited by the submitters: PubMed 39318119 (cited by Myriad Genetics, Inc.).